The following is an entry in ClinVar:

NM_001458.5(FLNC):c.1048G>C (p.Val350Leu)

Gene: FLNC (filamin C; plus strand). Cytogenetic location: 7q32.1.
Variant type: single nucleotide variant.
Coding change: c.1048G>C on transcript NM_001458.5 (MANE Select); coding-DNA position 1048, G replaced by C.
Protein change: p.Val350Leu; replaces valine 350 with leucine.
Molecular consequence: missense variant.
Genome position (GRCh38, 1-based): chr7:128,838,267, G>C. VCF-style: chr7-128838267-G-C. GRCh37 (hg19) VCF-style: chr7-128478321-G-C.
Other names: c.1048G>C, p.Val350Leu (NM_001127487.2); short protein forms V350L.
Identifiers: ClinVar variation 5021948 (VCV005021948.1).

ClinVar aggregate classification (germline): Uncertain significance (1 of 4 stars; one submission).

Conditions:
Cardiovascular phenotype. Identifiers: MedGen CN230736.

gnomAD v4.1: 1 of 1,613,940 alleles (0.000062%); highest among the groups gnomAD compares: Non-Finnish European, 0.000085%; no homozygotes.

Submission:

Ambry Genetics
Classification: Uncertain significance for Cardiovascular phenotype. Last evaluated: 2026-07-10. Review status: criteria provided, single submitter. Criteria: Ambry Variant Classification Scheme 2023. Collection method: clinical testing. Allele origin: germline.
Comment: The p.V350L variant (also known as c.1048G>C) is located in coding exon 7 of the FLNC gene. The valine at codon 350 is replaced by leucine, an amino acid with highly similar properties. This change occurs in the first base pair of coding exon 7. This amino acid position is conserved. In addition, the in silico prediction for this alteration is inconclusive. Based on the available evidence, the clinical significance of this variant remains unclear.